The following is an entry in ClinVar:

NM_001244008.2(KIF1A):c.3202+4G>A

Gene: KIF1A (kinesin family member 1A; minus strand). Cytogenetic location: 2q37.3.
Variant type: single nucleotide variant.
Coding change: c.3202+4G>A on transcript NM_001244008.2 (MANE Select); 4 bases into the intron after coding-DNA position 3202, G replaced by A.
Molecular consequence: intron variant.
Genome position (GRCh38, 1-based): chr2:240,746,035, C>T on the plus strand (G>A on the coding strand, the complement: KIF1A is on the minus strand). VCF-style: chr2-240746035-C-T. GRCh37 (hg19) VCF-style: chr2-241685452-C-T.
Other names: c.2899+4G>A (NM_001379653.1, NM_001379650.1, NM_001379640.1 and 6 more transcripts); c.3175+4G>A (NM_001379645.1, NM_001379633.1, NM_001379642.1); c.3001+4G>A (NM_001379635.1, NM_001330290.2, NM_001379646.1 and 1 more transcripts); c.3151+4G>A (NM_001379632.1); c.2974+4G>A (NM_001379637.1, NM_001379648.1); c.2926+4G>A (NM_001320705.2, NM_001379638.1, NM_001330289.2); c.3277+4G>A (NM_001379631.1).
Identifiers: ClinVar variation 2930735 (VCV002930735.3), dbSNP rs1230557900, ClinGen allele CA540752843.

ClinVar aggregate classification (germline): Uncertain significance (1 of 4 stars; one submission).

Conditions:
Neuropathy, hereditary sensory, type 2C. Also called: Hereditary sensory and autonomic neuropathy type IIC; KIF1A-Related HSAN2 (HSAN2C). Identifiers: Orphanet 970, MedGen C3280168, MONDO:0013634, OMIM 614213.
Hereditary spastic paraplegia 30. Identifiers: Orphanet 101010, MedGen C5235139, MONDO:0012476.
Intellectual disability, autosomal dominant 9 (NESCAVS). Also called: NESCAV SYNDROME; KIF1A-Related Neurodevelopmental Disorder. Identifiers: Orphanet 662367, MedGen C5393830, MONDO:0013656, OMIM 614255.

gnomAD v4.1: 1 of 1,607,484 alleles (0.000062%); highest among the groups gnomAD compares: East Asian, 0.0022%; no homozygotes.

Submission:

Labcorp Genetics (formerly Invitae), Labcorp
Classification: Uncertain significance for Hereditary spastic paraplegia 30; Neuropathy, hereditary sensory, type 2C; Intellectual disability, autosomal dominant 9. Last evaluated: 2023-04-06. Review status: criteria provided, single submitter. Criteria: Invitae Variant Classification Sherloc (09022015). Collection method: clinical testing. Allele origin: germline.
Comment: In summary, the available evidence is currently insufficient to determine the role of this variant in disease. Therefore, it has been classified as a Variant of Uncertain Significance. Variants that disrupt the consensus splice site are a relatively common cause of aberrant splicing (PMID: 17576681, 9536098). Algorithms developed to predict the effect of sequence changes on RNA splicing suggest that this variant is not likely to affect RNA splicing. This variant has not been reported in the literature in individuals affected with KIF1A-related conditions. This variant is not present in population databases (gnomAD no frequency). This sequence change falls in intron 27 of the KIF1A gene. It does not directly change the encoded amino acid sequence of the KIF1A protein. It affects a nucleotide within the consensus splice site.

Literature cited by the submitters: PubMed 17576681; PubMed 9536098.